The following is an entry in ClinVar:

NM_001943.5(DSG2):c.3209C>T (p.Thr1070Met)

Genes: DSG2 (desmoglein 2; plus strand), DSG2-AS1 (DSG2 antisense RNA 1; minus strand). Cytogenetic location: 18q12.1.
Variant type: single nucleotide variant.
Coding change: c.3209C>T on transcript NM_001943.5 (MANE Select); coding-DNA position 3209, C replaced by T.
Protein change: p.Thr1070Met; replaces threonine 1070 with methionine.
Molecular consequence: missense variant.
Genome position (GRCh38, 1-based): chr18:31,546,595, C>T. VCF-style: chr18-31546595-C-T. GRCh37 (hg19) VCF-style: chr18-29126558-C-T.
Other names: short protein forms T1070M.
Identifiers: ClinVar variation 178022 (VCV000178022.53), dbSNP rs149617776, ClinGen allele CA022023.
Genomic context (GRCh38, chr18:31,546,595, plus strand): 5'-TTCTAGCACCTGCTTCCACTCTGCAATCCAGTTACCAGATTCCCACTGAAAATTCTATGA[C>T]GGCTAGGAACACCACGGTGTCTGGAGCTGGAGTCCCTGGCCCTCTGCCAGATTTTGGTTT-3'
Protein context (NP_001934.2, residues 1060-1080): SYQIPTENSM[Thr1070Met]ARNTTVSGAG

ClinVar aggregate classification (germline): Benign/Likely benign. Review status: criteria provided, multiple submitters, no conflicts (2 of 4 stars). 22 submissions from 22 submitters: Benign (10); Likely benign (7). 5 of the submissions do not count toward it. Last evaluated 2026-09-01.

Conditions:
Cardiovascular phenotype. Identifiers: MedGen CN230736.
Dilated cardiomyopathy 1BB (CMD1BB). Also called: CARDIOMYOPATHY, DILATED, 1BB, SUSCEPTIBILITY TO. Identifiers: Orphanet 154, MedGen C2752072, MONDO:0013030, OMIM 612877.
Arrhythmogenic right ventricular dysplasia 10. Also called: Arrhythmogenic right ventricular dysplasia/cardiomyopathy, type 10; ARRHYTHMOGENIC RIGHT VENTRICULAR DYSPLASIA, FAMILIAL, 10; Arrhythmogenic Right Ventricular Dysplasia/Cardiomyopathy10. Identifiers: MedGen C1857777, MONDO:0012434, OMIM 610193.
Cardiomyopathy (CMYO). Also called: Cardiomyopathies. Identifiers: Orphanet 167848, MedGen C0878544, MONDO:0004994, HP:0001638. Inheritance: Various modes of inheritance.

Allele frequency attached by ClinVar (database versions not stated): gnomAD 0.00234 and 0.00223; TOPMed 0.00244; 1000 Genomes Project 30x 0.00375; 1000 Genomes Project 0.00399; ESP Exome Variant Server 0.00050; gnomAD exomes 0.00080 and 0.00181; ExAC 0.00118.
gnomAD v4.1: 1,533 of 1,614,176 alleles (0.095%); highest among the groups gnomAD compares: Admixed American, 1.1%; 13 homozygotes.

Submissions (22):

CeGaT Center for Human Genetics Tuebingen
Classification: Benign. Last evaluated: 2026-09-01. Review status: criteria provided, single submitter. Criteria: CeGaT Center For Human Genetics Tuebingen Variant Classification Criteria Version 2. Collection method: clinical testing. Allele origin: germline. Affected: yes. Observed: 17 variant alleles.
Comment: DSG2: BP4, BS1, BS2

Labcorp Genetics (formerly Invitae), Labcorp
Classification: Benign for Arrhythmogenic right ventricular dysplasia 10. Last evaluated: 2026-02-01. Review status: criteria provided, single submitter. Criteria: Invitae Variant Classification Sherloc (09022015). Collection method: clinical testing. Allele origin: germline.

Blueprint Genetics
Classification: Likely benign. Last evaluated: 2024-11-05. Review status: criteria provided, single submitter. Criteria: ACMG Guidelines, 2015. Collection method: clinical testing. Allele origin: germline.

Mayo Clinic Laboratories, Mayo Clinic
Classification: Benign. Last evaluated: 2023-12-18. Review status: criteria provided, single submitter. Criteria: ACMG Guidelines, 2015. Collection method: clinical testing. Allele origin: germline. Observed: 4 variant alleles.
Comment: BS1, BS2, BP4

Fulgent Genetics
Classification: Likely benign for Arrhythmogenic right ventricular dysplasia 10; Dilated cardiomyopathy 1BB. Last evaluated: 2022-05-25. Review status: criteria provided, single submitter. Criteria: ACMG Guidelines, 2015. Collection method: clinical testing. Allele origin: unknown.

Women's Health and Genetics/Laboratory Corporation of America, LabCorp
Classification: Benign. Last evaluated: 2019-01-21. Review status: criteria provided, single submitter. Criteria: LabCorp Variant Classification Summary - May 2015. Collection method: clinical testing. Allele origin: germline.
Comment: Variant summary: DSG2 c.3209C>T (p.Thr1070Met) results in a non-conservative amino acid change in the encoded protein sequence. Four of five in-silico tools predict a benign effect of the variant on protein function. The variant allele was found at a frequency of 0.0017 in 277006 control chromosomes, predominantly at a frequency of 0.0087 within the Latino subpopulation in the gnomAD database, including 5 homozygotes. The observed variant frequency within Latino control individuals in the gnomAD database is approximately 348 fold of the estimated maximal expected allele frequency for a pathogenic variant in DSG2 causing Cardiomyopathy phenotype (2.5e-05), strongly suggesting that the variant is a benign polymorphism found primarily in populations of Latino origin. c.3209C>T has been reported in the literature among 870 participants not selected for arrhythmia, cardiomyopathy (Ng_2013). These report(s) do not provide unequivocal conclusions about association of the variant with Cardiomyopathy. To our knowledge, no experimental evidence demonstrating an impact on protein function has been reported. Five ClinVar submissions from clinical diagnostic laboratories (evaluation after 2014) cite the variant predomiantly as likely benign/benign (4x) and once as uncertain significance. Based on the evidence outlined above, the variant was classified as benign.

CHEO Genetics Diagnostic Laboratory, Children's Hospital of Eastern Ontario
Classification: Benign for Cardiomyopathy. Last evaluated: 2018-07-19. Review status: criteria provided, single submitter. Criteria: ACMG Guidelines, 2015. Collection method: clinical testing. Allele origin: germline.

Color Diagnostics, LLC DBA Color Health
Classification: Benign for Cardiomyopathy. Last evaluated: 2018-05-11. Review status: criteria provided, single submitter. Criteria: ACMG Guidelines, 2015. Collection method: clinical testing. Allele origin: germline.

Illumina Laboratory Services, Illumina
Classification: Likely benign for Arrhythmogenic right ventricular dysplasia 10. Last evaluated: 2018-01-13. Review status: criteria provided, single submitter. Criteria: ICSL Variant Classification Criteria 13 December 2019. Collection method: clinical testing. Allele origin: germline.
Comment: This variant was observed in the ICSL laboratory as part of a predisposition screen in an ostensibly healthy population. It had not been previously curated by ICSL or reported in the Human Gene Mutation Database (HGMD: prior to June 1st, 2018), and was therefore a candidate for classification through an automated scoring system. Utilizing variant allele frequency, disease prevalence and penetrance estimates, and inheritance mode, an automated score was calculated to assess if this variant is too frequent to cause the disease. Based on the score and internal cut-off values, a variant classified as likely benign is not then subjected to further curation. The score for this variant resulted in a classification of likely benign for this disease.

Center for Pediatric Genomic Medicine, Children's Mercy Hospital and Clinics
Classification: Likely benign. Last evaluated: 2017-03-08. Review status: criteria provided, single submitter. Criteria: ACMG Guidelines, 2015. Collection method: clinical testing. Allele origin: germline.

Eurofins Ntd Llc (ga)
Classification: Benign. Last evaluated: 2016-11-30. Review status: criteria provided, single submitter. Criteria: EGL Classification Definitions 2015. Collection method: clinical testing. Allele origin: germline. Observed: 1 variant allele, 1 heterozygote.

Ambry Genetics
Classification: Benign for Cardiovascular phenotype. Last evaluated: 2016-10-20. Review status: criteria provided, single submitter. Criteria: Ambry Variant Classification Scheme 2023. Collection method: clinical testing. Allele origin: germline.

GeneDx
Classification: Benign. Last evaluated: 2015-03-03. Review status: criteria provided, single submitter. Criteria: GeneDx Variant Classification Process June 2021. Collection method: clinical testing. Allele origin: germline. Affected: yes.
Comment: This variant is associated with the following publications: (PMID: 30821013, 26230511)

Laboratory for Molecular Medicine, Mass General Brigham Personalized Medicine
Classification: Likely benign. Last evaluated: 2014-06-30. Review status: criteria provided, single submitter. Criteria: LMM Criteria. Collection method: clinical testing. Allele origin: germline. Observed: 2 variant alleles.
Comment: Thr1070Met in exon 15 of DSG2: This variant is not expected to have clinical sig nificance because it is not conserved across species, including mammals. Of note , >15 mammals have a methionine (Met) at this position. In addition, computation al prediction tools do not suggest a high likelihood of impact to the protein. I t has also been identified in 5/8274 of European American chromosomes and by the NHLBI Exome Sequencing Project (dbSNP rs1496 17776).

Biesecker Lab/Clinical Genomics Section, National Institutes of Health
Classification: Likely benign. Last evaluated: 2013-06-24. Review status: criteria provided, single submitter. Criteria: Ng et al. (Circ Cardiovasc Genet. 2013). Collection method: research. Allele origin: unknown. Observed: 1 variant allele. Study: ClinSeq.
Comment: The study set was not selected for affection status in relation to any cancer. Pathogenicity categories were based on literature curation. See Pubmed ID:23861362 for details.

Medical sequencing

Breakthrough Genomics
Classification: Likely benign. Review status: criteria provided, single submitter. Criteria: ACMG Guidelines, 2015. Collection method: not provided. Allele origin: germline. Inheritance: Autosomal recessive inheritance. Affected: yes.

Molecular Diagnostic Laboratory for Inherited Cardiovascular Disease, Montreal Heart Institute
Classification: Benign. Review status: criteria provided, single submitter. Criteria: ACMG Guidelines, 2015. Collection method: clinical testing. Allele origin: germline. Affected: yes.

Clinical Genetics DNA and cytogenetics Diagnostics Lab, Erasmus MC, Erasmus Medical Center
Classification: Likely benign. Review status: no assertion criteria provided. Collection method: clinical testing. Allele origin: germline. Affected: yes. Study: VKGL Data-share Consensus. Not counted in ClinVar's aggregate classification.

Clinical Genetics, Academic Medical Center
Classification: Likely benign. Review status: no assertion criteria provided. Collection method: clinical testing. Allele origin: germline. Affected: yes. Study: VKGL Data-share Consensus. Not counted in ClinVar's aggregate classification.

Diagnostic Laboratory, Department of Genetics, University Medical Center Groningen
Classification: Likely benign. Review status: no assertion criteria provided. Collection method: clinical testing. Allele origin: germline. Affected: yes. Study: VKGL Data-share Consensus. Not counted in ClinVar's aggregate classification.

Genome Diagnostics Laboratory, University Medical Center Utrecht
Classification: Likely benign. Review status: no assertion criteria provided. Collection method: clinical testing. Allele origin: germline. Affected: yes. Study: VKGL Data-share Consensus. Not counted in ClinVar's aggregate classification.

Joint Genome Diagnostic Labs from Nijmegen and Maastricht, Radboudumc and MUMC+
Classification: Likely benign. Review status: no assertion criteria provided. Collection method: clinical testing. Allele origin: germline. Affected: yes. Study: VKGL Data-share Consensus. Not counted in ClinVar's aggregate classification.

Literature cited by the submitters: PubMed 23861362 (cited by Women's Health and Genetics/Laboratory Corporation of America, LabCorp).